The following is an entry in ClinVar:

ClinVar aggregate classification (germline): Pathogenic (1 of 4 stars; one submission).

Conditions:
Peroxisome biogenesis disorder. Identifiers: Orphanet 79189, MedGen C1832200, MONDO:0019234. Disease mechanism: loss of function.

Submission:

Myriad Genetics, Inc.
Classification: Pathogenic for Peroxisome biogenesis disorder. Last evaluated: 2023-09-27. Review status: criteria provided, single submitter. Criteria: Myriad Autosomal Dominant, Autosomal Recessive and X-Linked Classification Criteria (2023). Collection method: clinical testing. Allele origin: unknown.
Comment: NM_153818.1(PEX10):c.309dupC(Y104Lfs*17) is expected to be pathogenic in the context of peroxisome biogenesis disorder type 6. This variant is predicted to lead to an abnormal or absent protein product due to the creation of a premature termination codon in PEX10, a gene where loss-of-function variants are known to be pathogenic. Please note: this variant was assessed in the context of healthy population screening.

NM_002617.4(PEX10):c.309dup (p.Tyr104fs)

Gene: PEX10 (peroxisomal biogenesis factor 10; minus strand). Cytogenetic location: 1p36.32.
Variant type: Duplication.
Coding change: c.309dup on transcript NM_002617.4 (MANE Select); coding-DNA position 309, one base duplicated (C; older notation c.309dupC).
Protein change: p.Tyr104fs; shifts the reading frame from tyrosine 104.
Molecular consequence: frameshift variant. On other transcripts: 5 prime UTR variant (2), non-coding transcript variant (1).
Genome position (GRCh38, 1-based): chr1:2,408,743, G duplicated on the plus strand (C on the coding strand, the reverse complement: PEX10 is on the minus strand); the first of 3 consecutive G bases (chr1:2,408,743-2,408,745); duplicating any one gives the same sequence. VCF-style (leftmost placement, unchanged base first): chr1-2408742-A-AG. GRCh37 (hg19) VCF-style: chr1-2340181-A-AG.
Other names: c.309dup, p.Tyr104fs (NM_001374425.1, NM_153818.2); c.-124dup (NM_001374426.1, NM_001374427.1); short protein forms Y104fs.
Identifiers: ClinVar variation 5011874 (VCV005011874.1).